The following is an entry in ClinVar:

ClinVar aggregate classification (germline): Uncertain significance (1 of 4 stars; one submission).

Conditions:
Early-infantile DEE. Also called: Ohtahara syndrome; Early infantile epileptic encephalopathy with suppression bursts; Early infantile epileptic encephalopathy. Identifiers: Orphanet 1934, MedGen C0393706, MONDO:0800491.

Submission:

Labcorp Genetics (formerly Invitae), Labcorp
Classification: Uncertain significance for Early-infantile DEE. Last evaluated: 2022-07-19. Review status: criteria provided, single submitter. Criteria: Invitae Variant Classification Sherloc (09022015). Collection method: clinical testing. Allele origin: germline.
Comment: In summary, the available evidence is currently insufficient to determine the role of this variant in disease. Therefore, it has been classified as a Variant of Uncertain Significance. Algorithms developed to predict the effect of missense changes on protein structure and function are either unavailable or do not agree on the potential impact of this missense change (SIFT: "Deleterious"; PolyPhen-2: "Probably Damaging"; Align-GVGD: "Class C0"). ClinVar contains an entry for this variant (Variation ID: 1056359). This variant has not been reported in the literature in individuals affected with GNAO1-related conditions. This variant is not present in population databases (gnomAD no frequency). This sequence change replaces alanine, which is neutral and non-polar, with valine, which is neutral and non-polar, at codon 30 of the GNAO1 protein (p.Ala30Val).

NM_020988.3(GNAO1):c.89C>T (p.Ala30Val)

Gene: GNAO1 (G protein subunit alpha o1; plus strand). Cytogenetic location: 16q13.
Variant type: single nucleotide variant.
Coding change: c.89C>T on transcript NM_020988.3 (MANE Select); coding-DNA position 89, C replaced by T.
Protein change: p.Ala30Val; replaces alanine 30 with valine.
Molecular consequence: missense variant.
Genome position (GRCh38, 1-based): chr16:56,192,324, C>T. VCF-style: chr16-56192324-C-T. GRCh37 (hg19) VCF-style: chr16-56226236-C-T.
Other names: c.89C>T, p.Ala30Val (NM_138736.3); short protein forms A30V.
Identifiers: ClinVar variation 1056359 (VCV001056359.10), dbSNP rs2143270471, ClinGen allele CA396128493.